The following is an entry in ClinVar:

ClinVar aggregate classification (germline): Benign/Likely benign. Review status: criteria provided, multiple submitters, no conflicts (2 of 4 stars). 6 submissions from 6 submitters: Benign (4); Likely benign (1). 1 of the submissions does not count toward it. Last evaluated 2026-01-12.

Conditions:
SYNE2-related disorder. Also called: SYNE2-related condition.
Emery-Dreifuss muscular dystrophy 5, autosomal dominant (EDMD5). Also called: EMERY-DREIFUSS MUSCULAR DYSTROPHY 5. Identifiers: Orphanet 261, MedGen C2751805, MONDO:0013072, OMIM 612999.

Allele frequency attached by ClinVar (database versions not stated): gnomAD exomes 0.00073; ExAC 0.00085; gnomAD 0.00255; ESP Exome Variant Server 0.00261; 1000 Genomes Project 0.00280; 1000 Genomes Project 30x 0.00281; TOPMed 0.00290.
gnomAD v4.1: 833 of 1,614,194 alleles (0.052%); highest among the groups gnomAD compares: African/African-American, 0.98%; 3 homozygotes.

Submissions (6):

Labcorp Genetics (formerly Invitae), Labcorp
Classification: Benign for Emery-Dreifuss muscular dystrophy 5, autosomal dominant. Last evaluated: 2026-01-12. Review status: criteria provided, single submitter. Criteria: Invitae Variant Classification Sherloc (09022015). Collection method: clinical testing. Allele origin: germline.

Blueprint Genetics
Classification: Likely benign. Last evaluated: 2024-11-27. Review status: criteria provided, single submitter. Criteria: ACMG Guidelines, 2015. Collection method: clinical testing. Allele origin: germline.

Athena Diagnostics
Classification: Benign. Last evaluated: 2024-07-30. Review status: criteria provided, single submitter. Criteria: Athena Diagnostics Criteria. Collection method: clinical testing. Allele origin: unknown.

Eurofins Ntd Llc (ga)
Classification: Benign. Last evaluated: 2016-04-26. Review status: criteria provided, single submitter. Criteria: EGL Classification Definitions 2015. Collection method: clinical testing. Allele origin: germline. Observed: 4 variant alleles, 4 heterozygotes.

Breakthrough Genomics
Classification: Benign. Review status: criteria provided, single submitter. Criteria: ACMG Guidelines, 2015. Collection method: not provided. Allele origin: germline. Inheritance: Autosomal dominant inheritance. Affected: yes.

PreventionGenetics, part of Exact Sciences
Classification: Benign for SYNE2-related condition. Last evaluated: 2019-02-18. Review status: no assertion criteria provided. Collection method: clinical testing. Allele origin: germline. Not counted in ClinVar's aggregate classification.
Comment: This variant is classified as benign based on ACMG/AMP sequence variant interpretation guidelines (Richards et al. 2015 PMID: 25741868, with internal and published modifications).

NM_182914.3(SYNE2):c.12984A>G (p.Lys4328=)

Gene: SYNE2 (spectrin repeat containing nuclear envelope protein 2; plus strand). Cytogenetic location: 14q23.2.
Variant type: single nucleotide variant.
Coding change: c.12984A>G on transcript NM_182914.3 (MANE Select); coding-DNA position 12984, A replaced by G.
Protein change: p.Lys4328=; no amino-acid change (lysine 4328 retained).
Molecular consequence: synonymous variant.
Genome position (GRCh38, 1-based): chr14:64,119,570, A>G. VCF-style: chr14-64119570-A-G. GRCh37 (hg19) VCF-style: chr14-64586288-A-G.
Other names: c.12984A>G, p.Lys4328= (NM_015180.6).
Identifiers: ClinVar variation 285165 (VCV000285165.20), dbSNP rs151314114, ClinGen allele CA7222296.